The following is an entry in ClinVar:

ClinVar aggregate classification (germline): Uncertain significance (1 of 4 stars; one submission).

Allele frequency attached by ClinVar (database versions not stated): gnomAD exomes below 0.00001.
gnomAD v4.1: 1 of 1,529,188 alleles (0.000065%); highest among the groups gnomAD compares: Non-Finnish European, 0.000088%; no homozygotes.

Submission:

GeneDx
Classification: Uncertain significance. Last evaluated: 2023-03-13. Review status: criteria provided, single submitter. Criteria: GeneDx Variant Classification Process June 2021. Collection method: clinical testing. Allele origin: germline. Affected: yes.
Comment: Not observed at significant frequency in large population cohorts (gnomAD); In silico analysis supports that this missense variant does not alter protein structure/function; Has not been previously published as pathogenic or benign to our knowledge

NM_003482.4(KMT2D):c.14662C>T (p.Pro4888Ser)

Gene: KMT2D (lysine methyltransferase 2D; minus strand). Cytogenetic location: 12q13.12.
Variant type: single nucleotide variant.
Coding change: c.14662C>T on transcript NM_003482.4 (MANE Select); coding-DNA position 14662, C replaced by T.
Protein change: p.Pro4888Ser; replaces proline 4888 with serine.
Molecular consequence: missense variant.
Genome position (GRCh38, 1-based): chr12:49,027,304, G>A on the plus strand (C>T on the coding strand, the complement: KMT2D is on the minus strand). VCF-style: chr12-49027304-G-A. GRCh37 (hg19) VCF-style: chr12-49421087-G-A.
Other names: short protein forms P4888S.
Identifiers: ClinVar variation 2579826 (VCV002579826.1), dbSNP rs1441472163, ClinGen allele CA384692345.